The following is an entry in ClinVar:

NM_015072.5(TTLL5):c.824A>G (p.Lys275Arg)

Gene: TTLL5 (tubulin tyrosine ligase like 5; plus strand). Cytogenetic location: 14q24.3.
Variant type: single nucleotide variant.
Coding change: c.824A>G on transcript NM_015072.5 (MANE Select); coding-DNA position 824, A replaced by G.
Protein change: p.Lys275Arg; replaces lysine 275 with arginine.
Molecular consequence: missense variant.
Genome position (GRCh38, 1-based): chr14:75,717,944, A>G. VCF-style: chr14-75717944-A-G. GRCh37 (hg19) VCF-style: chr14-76184287-A-G.
Other names: c.824A>G (NM_015072.4); short protein forms K275R.
Identifiers: ClinVar variation 1561628 (VCV001561628.11), dbSNP rs145430209, ClinGen allele CA7279113.
Genomic context (GRCh38, chr14:75,717,944, plus strand): 5'-AAGGAGCCAAGAACATTCGGAACCAGTTCATGCATCTGACAAACTACAGTGTCAACAAGA[A>G]AAGTGGAGATTACGTCAGGTACTGGCTGTGTCTGAGCCAGAAGTCAGAGGTGTCAGTCTC-3'
Protein context (NP_055887.3, residues 265-285): MHLTNYSVNK[Lys275Arg]SGDYVSCDDP

ClinVar aggregate classification (germline): Benign/Likely benign. Review status: criteria provided, multiple submitters, no conflicts (2 of 4 stars). 4 submissions from 4 submitters: Benign (1); Likely benign (2). 1 of the submissions does not count toward it. Last evaluated 2025-11-15.

Conditions:
TTLL5-related disorder. Also called: TTLL5-related condition.
Retinal dystrophy. Also called: Inherited retinal dystrophy. Identifiers: Orphanet 71862, MedGen C0854723, MeSH D058499, MONDO:0019118, HP:0000556.

Allele frequency attached by ClinVar (database versions not stated): TOPMed 0.00020; ESP Exome Variant Server 0.00023; gnomAD exomes 0.00042 and 0.00060; gnomAD 0.00046 and 0.00048; 1000 Genomes Project 30x 0.00062; ExAC 0.00066; 1000 Genomes Project 0.00080.
gnomAD v4.1: 676 of 1,613,676 alleles (0.042%); highest among the groups gnomAD compares: Non-Finnish European, 0.036%; 4 homozygotes.

Submissions (4):

Labcorp Genetics (formerly Invitae), Labcorp
Classification: Benign. Last evaluated: 2025-11-15. Review status: criteria provided, single submitter. Criteria: Invitae Variant Classification Sherloc (09022015). Collection method: clinical testing. Allele origin: germline.

Blueprint Genetics
Classification: Likely benign. Last evaluated: 2024-11-20. Review status: criteria provided, single submitter. Criteria: ACMG Guidelines, 2015. Collection method: clinical testing. Allele origin: germline.

PreventionGenetics, part of Exact Sciences
Classification: Likely benign for TTLL5-related condition. Last evaluated: 2024-11-04. Review status: criteria provided, single submitter. Criteria: ACMG Guidelines, 2015. Collection method: clinical testing. Allele origin: germline.
Comment: This variant is classified as likely benign based on ACMG/AMP sequence variant interpretation guidelines (Richards et al. 2015 PMID: 25741868, with internal and published modifications).

Institute of Human Genetics, Univ. Regensburg, Univ. Regensburg
Classification: Uncertain significance for Retinal dystrophy. Last evaluated: 2022-01-01. Review status: no assertion criteria provided. Criteria: ACMG Guidelines, 2015. Collection method: clinical testing. Allele origin: germline. Affected: yes. Not counted in ClinVar's aggregate classification.